The following is an entry in ClinVar:

NM_000492.4(CFTR):c.3462T>A (p.Asp1154Glu)

Genes: CFTR (CF transmembrane conductance regulator; plus strand), CFTR-AS2 (CFTR antisense RNA 2; minus strand). Cytogenetic location: 7q31.2.
Variant type: single nucleotide variant.
Coding change: c.3462T>A on transcript NM_000492.4 (MANE Select); coding-DNA position 3462, T replaced by A.
Protein change: p.Asp1154Glu; replaces aspartic acid 1154 with glutamic acid.
Molecular consequence: missense variant.
Genome position (GRCh38, 1-based): chr7:117,614,707, T>A. VCF-style: chr7-117614707-T-A. GRCh37 (hg19) VCF-style: chr7-117254761-T-A.
Other names: short protein forms D1154E.
Identifiers: ClinVar variation 3266631 (VCV003266631.1).

ClinVar aggregate classification (germline): Uncertain significance (1 of 4 stars; one submission).

Conditions:
Cystic fibrosis (CF). Also called: MUCOVISCIDOSIS. Identifiers: Orphanet 586, MedGen C0010674, MONDO:0009061, OMIM 219700. Disease mechanism: loss of function.

gnomAD v4.1: 6 of 1,607,292 alleles (0.00037%); highest among the groups gnomAD compares: Non-Finnish European, 0.00043%; no homozygotes.

Submission:

Ambry Genetics
Classification: Uncertain significance for Cystic fibrosis. Last evaluated: 2024-05-10. Review status: criteria provided, single submitter. Criteria: Ambry Variant Classification Scheme 2023. Collection method: clinical testing. Allele origin: germline.
Comment: The p.D1154E variant (also known as c.3462T>A), located in coding exon 21 of the CFTR gene, results from a T to A substitution at nucleotide position 3462. The aspartic acid at codon 1154 is replaced by glutamic acid, an amino acid with highly similar properties. This amino acid position is highly conserved in available vertebrate species. In addition, the in silico prediction for this alteration is inconclusive. Based on the available evidence, the clinical significance of this variant remains unclear.